The following is an entry in ClinVar:

ClinVar aggregate classification (germline): Uncertain significance (1 of 4 stars; one submission).

Submission:

Greenwood Genetic Center Diagnostic Laboratories, Greenwood Genetic Center
Classification: Uncertain significance. Last evaluated: 2025-12-15. Review status: criteria provided, single submitter. Criteria: ACMG Guidelines, 2015. Collection method: clinical testing. Allele origin: germline. Affected: yes.
Comment: Gene of Uncertain Significance

NM_022917.5(NOL6):c.1873_1874delCT (p.Leu625fs)

Gene: NOL6 (nucleolar protein 6; minus strand). Cytogenetic location: 9p13.3.
Variant type: Deletion.
Coding change: c.1873_1874delCT on transcript NM_022917.5 (MANE Select); coding-DNA positions 1873 to 1874, 2 bases deleted (CT).
Protein change: p.Leu625fs; shifts the reading frame from leucine 625.
Molecular consequence: frameshift variant.
Genome position (GRCh38, 1-based): chr9:33,467,114-33,467,115, AG deleted on the plus strand (CT on the coding strand, the reverse complement: NOL6 is on the minus strand). VCF-style (leftmost placement, unchanged base first): chr9-33467113-CAG-C. GRCh37 (hg19) VCF-style: chr9-33467111-CAG-C.
Other names: c.1873_1874del (NM_139235.4); c.1873_1874delCT, p.Leu625fs (NM_139235.4); short protein forms L625fs.
Identifiers: ClinVar variation 4845536 (VCV004845536.1).